The following is an entry in ClinVar:

NM_003126.4(SPTA1):c.3332A>G (p.Asp1111Gly)

Gene: SPTA1 (spectrin alpha, erythrocytic 1; minus strand). Cytogenetic location: 1q23.1.
Variant type: single nucleotide variant.
Coding change: c.3332A>G on transcript NM_003126.4 (MANE Select); coding-DNA position 3332, A replaced by G.
Protein change: p.Asp1111Gly; replaces aspartic acid 1111 with glycine.
Molecular consequence: missense variant.
Genome position (GRCh38, 1-based): chr1:158,652,510, T>C on the plus strand (A>G on the coding strand, the complement: SPTA1 is on the minus strand). VCF-style: chr1-158652510-T-C. GRCh37 (hg19) VCF-style: chr1-158622300-T-C.
Other names: p.Asp1111Gly; short protein forms D1111G.
Identifiers: ClinVar variation 4541680 (VCV004541680.2).

ClinVar aggregate classification (germline): Uncertain significance. Review status: criteria provided, multiple submitters, no conflicts (2 of 4 stars). 2 submissions from 2 submitters: Uncertain significance (2). Last evaluated 2025-10-28.

gnomAD v4.1: 125 of 1,614,070 alleles (0.0077%); highest among the groups gnomAD compares: Middle Eastern, 0.016%; no homozygotes.

Submissions (2):

Mayo Clinic Laboratories, Mayo Clinic
Classification: Uncertain significance. Last evaluated: 2025-10-28. Review status: criteria provided, single submitter. Criteria: ACMG Guidelines, 2015. Collection method: clinical testing. Allele origin: germline. Observed: 1 variant allele.
Comment: BP4_moderate

Blueprint Genetics
Classification: Uncertain significance. Last evaluated: 2024-04-15. Review status: criteria provided, single submitter. Criteria: ACMG Guidelines, 2015. Collection method: clinical testing. Allele origin: germline.